The following is an entry in ClinVar:

NM_207391.3(RGS9BP):c.418G>A (p.Gly140Ser)

Gene: RGS9BP (regulator of G protein signaling 9 binding protein; plus strand). Cytogenetic location: 19q13.11.
Variant type: single nucleotide variant.
Coding change: c.418G>A on transcript NM_207391.3 (MANE Select); coding-DNA position 418, G replaced by A.
Protein change: p.Gly140Ser; replaces glycine 140 with serine.
Molecular consequence: missense variant.
Genome position (GRCh38, 1-based): chr19:32,676,681, G>A. VCF-style: chr19-32676681-G-A. GRCh37 (hg19) VCF-style: chr19-33167587-G-A.
Other names: short protein forms G140S.
Identifiers: ClinVar variation 1943168 (VCV001943168.2), dbSNP rs1968010258, ClinGen allele CA405186706.

ClinVar aggregate classification (germline): Uncertain significance (1 of 4 stars; one submission).

Allele frequency attached by ClinVar (database versions not stated): gnomAD exomes 0.00003.

Submission:

Labcorp Genetics (formerly Invitae), Labcorp
Classification: Uncertain significance. Last evaluated: 2022-07-25. Review status: criteria provided, single submitter. Criteria: Invitae Variant Classification Sherloc (09022015). Collection method: clinical testing. Allele origin: germline.
Comment: This sequence change replaces glycine, which is neutral and non-polar, with serine, which is neutral and polar, at codon 140 of the RGS9BP protein (p.Gly140Ser). This variant is not present in population databases (gnomAD no frequency). This variant has not been reported in the literature in individuals affected with RGS9BP-related conditions. Algorithms developed to predict the effect of missense changes on protein structure and function output the following: SIFT: "Tolerated"; PolyPhen-2: "Benign"; Align-GVGD: "Class C0". The serine amino acid residue is found in multiple mammalian species, which suggests that this missense change does not adversely affect protein function. In summary, the available evidence is currently insufficient to determine the role of this variant in disease. Therefore, it has been classified as a Variant of Uncertain Significance.